The following is an entry in ClinVar:

ClinVar aggregate classification (germline): Likely pathogenic (1 of 4 stars; one submission).

Submission:

GeneDx
Classification: Likely pathogenic. Last evaluated: 2017-03-20. Review status: criteria provided, single submitter. Criteria: GeneDx Variant Classification (06012015). Collection method: clinical testing. Allele origin: germline. Affected: yes.
Comment: A variant that is likely pathogenic has been identified in the TRPV4 gene. The R316S variant has not been published as a pathogenic variant, nor has it been reported as a benign variant to our knowledge. The R316S variant is not observed in large population cohorts (Lek et al., 2016; 1000 Genomes Consortium et al., 2015; Exome Variant Server). The R316S variant is a semi-conservative amino acid substitution, which may impact secondary protein structure as these residues differ in some properties. This substitution occurs at a position that is conserved across species. Additionally, different missense variants at the same position (R316C and R316H) and a nearby residue (R315W) have been reported in Human Gene Mutation Database in association with TRPV-related disorders (Deng et al., 2010; Klein et al., 2011), supporting the functional importance of this region of the protein. However, in silico analysis is inconsistent in its predictions as to whether or not the variant is damaging to the protein structure/function. Therefore, this variant is likely pathogenic; however, the possibility that it is benign cannot be excluded.

NM_021625.5(TRPV4):c.946C>A (p.Arg316Ser)

Gene: TRPV4 (transient receptor potential cation channel subfamily V member 4; minus strand). Cytogenetic location: 12q24.11.
Variant type: single nucleotide variant.
Coding change: c.946C>A on transcript NM_021625.5 (MANE Select); coding-DNA position 946, C replaced by A.
Protein change: p.Arg316Ser; replaces arginine 316 with serine.
Molecular consequence: missense variant.
Genome position (GRCh38, 1-based): chr12:109,798,820, G>T on the plus strand (C>A on the coding strand, the complement: TRPV4 is on the minus strand). VCF-style: chr12-109798820-G-T. GRCh37 (hg19) VCF-style: chr12-110236625-G-T.
Other names: c.805C>A, p.Arg269Ser (NM_001177428.2, NM_001177433.2); c.844C>A, p.Arg282Ser (NM_001177431.2); c.946C>A, p.Arg316Ser (NM_147204.3); short protein forms R316S, R282S, R269S.
Identifiers: ClinVar variation 424307 (VCV000424307.2), dbSNP rs267607145, ClinGen allele CA16619426.